The following is an entry in ClinVar:

NM_032119.4(ADGRV1):c.1633G>A (p.Gly545Arg)

Gene: ADGRV1 (adhesion G protein-coupled receptor V1; plus strand). Cytogenetic location: 5q14.3.
Variant type: single nucleotide variant.
Coding change: c.1633G>A on transcript NM_032119.4 (MANE Select); coding-DNA position 1633, G replaced by A.
Protein change: p.Gly545Arg; replaces glycine 545 with arginine.
Molecular consequence: missense variant. On other transcripts: non-coding transcript variant (1).
Genome position (GRCh38, 1-based): chr5:90,629,333, G>A. VCF-style: chr5-90629333-G-A. GRCh37 (hg19) VCF-style: chr5-89925150-G-A.
Other names: short protein forms G545R.
Identifiers: ClinVar variation 2128636 (VCV002128636.1), dbSNP rs2531840827, ClinGen allele CA360373870.

ClinVar aggregate classification (germline): Uncertain significance (1 of 4 stars; one submission).

Submission:

Labcorp Genetics (formerly Invitae), Labcorp
Classification: Uncertain significance. Last evaluated: 2022-04-21. Review status: criteria provided, single submitter. Criteria: Invitae Variant Classification Sherloc (09022015). Collection method: clinical testing. Allele origin: germline.
Comment: This sequence change replaces glycine, which is neutral and non-polar, with arginine, which is basic and polar, at codon 545 of the ADGRV1 protein (p.Gly545Arg). This variant is not present in population databases (gnomAD no frequency). This variant has not been reported in the literature in individuals affected with ADGRV1-related conditions. Algorithms developed to predict the effect of missense changes on protein structure and function are either unavailable or do not agree on the potential impact of this missense change (SIFT: "Tolerated"; PolyPhen-2: "Probably Damaging"; Align-GVGD: "Class C0"). In summary, the available evidence is currently insufficient to determine the role of this variant in disease. Therefore, it has been classified as a Variant of Uncertain Significance.